The following is an entry in ClinVar:

ClinVar aggregate classification (germline): Likely benign (1 of 4 stars; one submission).

Conditions:
CD93-related disorder. Also called: CD93-related condition.

Submission:

PreventionGenetics, part of Exact Sciences
Classification: Likely benign for CD93-related condition. Last evaluated: 2025-04-30. Review status: criteria provided, single submitter. Criteria: ACMG Guidelines, 2015. Collection method: clinical testing. Allele origin: germline.
Comment: This variant is classified as likely benign based on ACMG/AMP sequence variant interpretation guidelines (Richards et al. 2015 PMID: 25741868, with internal and published modifications).

NM_012072.4(CD93):c.1302G>A (p.Pro434=)

Gene: CD93 (CD93 molecule; minus strand). Cytogenetic location: 20p11.21.
Variant type: single nucleotide variant.
Coding change: c.1302G>A on transcript NM_012072.4 (MANE Select); coding-DNA position 1302, G replaced by A.
Protein change: p.Pro434=; no amino-acid change (proline 434 retained).
Molecular consequence: synonymous variant.
Genome position (GRCh38, 1-based): chr20:23,084,891, C>T on the plus strand (G>A on the coding strand, the complement: CD93 is on the minus strand). VCF-style: chr20-23084891-C-T. GRCh37 (hg19) VCF-style: chr20-23065528-C-T.
Identifiers: ClinVar variation 4990662 (VCV004990662.1).